The following is an entry in ClinVar:

ClinVar aggregate classification (germline): Uncertain significance (1 of 4 stars; one submission).

Conditions:
Hereditary cancer-predisposing syndrome. Also called: Tumor predisposition; Neoplastic Syndromes, Hereditary; Hereditary neoplastic syndrome; Hereditary Cancer Syndrome. Identifiers: Orphanet 140162, MedGen C0027672, MeSH D009386, MONDO:0015356.

Submission:

Ambry Genetics
Classification: Uncertain significance for Hereditary cancer-predisposing syndrome. Last evaluated: 2024-10-14. Review status: criteria provided, single submitter. Criteria: Ambry Variant Classification Scheme 2023. Collection method: clinical testing. Allele origin: germline.
Comment: The p.D1586N variant (also known as c.4756G>A), located in coding exon 36 of the TSC2 gene, results from a G to A substitution at nucleotide position 4756. The aspartic acid at codon 1586 is replaced by asparagine, an amino acid with highly similar properties. This amino acid position is conserved. In addition, the in silico prediction for this alteration is inconclusive. Based on the available evidence, the clinical significance of this variant remains unclear.

NM_000548.5(TSC2):c.4756G>A (p.Asp1586Asn)

Gene: TSC2 (TSC complex subunit 2; plus strand). Cytogenetic location: 16p13.3.
Variant type: single nucleotide variant.
Coding change: c.4756G>A on transcript NM_000548.5 (MANE Select); coding-DNA position 4756, G replaced by A.
Protein change: p.Asp1586Asn; replaces aspartic acid 1586 with asparagine.
Molecular consequence: missense variant. On other transcripts: non-coding transcript variant (5).
Genome position (GRCh38, 1-based): chr16:2,086,286, G>A. VCF-style: chr16-2086286-G-A. GRCh37 (hg19) VCF-style: chr16-2136287-G-A.
Other names: c.4555G>A, p.Asp1519Asn (NM_001077183.3); c.4687G>A, p.Asp1563Asn (NM_001114382.3); c.4447G>A, p.Asp1483Asn (NM_001318827.2); c.4411G>A, p.Asp1471Asn (NM_001318829.2); c.4024G>A, p.Asp1342Asn (NM_001318831.2); c.4588G>A, p.Asp1530Asn (NM_001318832.2); c.4558G>A, p.Asp1520Asn (NM_001363528.2); c.4624G>A, p.Asp1542Asn (NM_001370404.1); and 26 more; short protein forms D1071N, D1095N, D1482N, D1514N, D1543N, D1560N, D1562N, D1094N.
Identifiers: ClinVar variation 3462646 (VCV003462646.1).
Genomic context (GRCh38, chr16:2,086,286, plus strand): 5'-CATGGCTCCTACAGGTACACGGAGTTCCTGACGGGCCTGGGCCGGCTCATCGAGCTGAAG[G>A]ACTGCCAGCCGGACAAGGTGTACCTGGGAGGCCTGGACGTGTGTGGTGAGGACGGCCAGT-3'
Protein context (NP_000539.2, residues 1576-1596): TGLGRLIELK[Asp1586Asn]CQPDKVYLGG